The following is an entry in ClinVar:

NM_001356.5(DDX3X):c.1622C>T (p.Ala541Val)

Gene: DDX3X (DEAD-box helicase 3 X-linked; plus strand). Cytogenetic location: Xp11.4.
Variant type: single nucleotide variant.
Coding change: c.1622C>T on transcript NM_001356.5 (MANE Select); coding-DNA position 1622, C replaced by T.
Protein change: p.Ala541Val; replaces alanine 541 with valine.
Molecular consequence: missense variant. On other transcripts: non-coding transcript variant (1).
Genome position (GRCh38, 1-based): chrX:41,346,865, C>T. VCF-style: chrX-41346865-C-T. GRCh37 (hg19) VCF-style: chrX-41206118-C-T.
Other names: c.1622C>T, p.Ala541Val (NM_001193416.3); c.1574C>T, p.Ala525Val (NM_001193417.3); c.1064C>T, p.Ala355Val (NM_001363819.1); short protein forms A541V, A525V, A355V.
Identifiers: ClinVar variation 3731191 (VCV003731191.2).

ClinVar aggregate classification (germline): Pathogenic (1 of 4 stars; one submission).
ClinVar aggregate classification (somatic clinical impact): Tier I - Strong. Review status: criteria provided, single submitter (1 of 4 stars). 2 submissions from 1 submitter. 1 of the submissions does not count toward it. Last evaluated 2025-06-19.

Conditions:
Medulloblastoma non-WNT/non-SHH group 3. Identifiers: MedGen C4330665, MONDO:0956966.
Medulloblastoma SHH activated. Identifiers: MedGen C4330671, MONDO:0850197.

Submissions (3):

Institute for Genomic Medicine (IGM) Clinical Laboratory, Nationwide Children's Hospital
Classification: Tier I - Strong for Medulloblastoma SHH activated. Assertion type: diagnostic. Clinical significance: supports diagnosis. Last evaluated: 2025-06-19. Review status: criteria provided, single submitter. Criteria: AMP/ASCO/CAP Guidelines, 2017. Collection method: clinical testing. Allele origin: somatic. Affected: yes.
Comment: Variant has Tier I (strong) clinical significance as a diagnostic inclusion criterion in medulloblastoma SHH activated, based on the following evidence: 1) Documented in one or more cancer databases (e.g., St. Jude Pecan, COSMIC, CIViC, OncoKB). 2) Appears in one or more well-established professional guidelines (e.g., World Health Organization [WHO]; National Comprehensive Cancer Network [NCCN]) as providing diagnostic, prognostic, or therapeutic information. 3) Diagnostic for a specific tumor type/classification based on well-powered studies with expert-level consensus (Evidence Level B; PMIDs: 22820256, 22832583, 22722829, 28726821, 33741928).

GeneDx
Classification: Pathogenic. Last evaluated: 2024-08-16. Review status: criteria provided, single submitter. Criteria: GeneDx Variant Classification Process June 2021. Collection method: clinical testing. Allele origin: germline. Affected: yes.
Comment: Not observed at significant frequency in large population cohorts (gnomAD); In silico analysis supports that this missense variant has a deleterious effect on protein structure/function; This variant is associated with the following publications: (PMID: 26192917, 37776660)

Institute for Genomic Medicine (IGM) Clinical Laboratory, Nationwide Children's Hospital
Classification: Tier II - Potential for Medulloblastoma non-WNT/non-SHH group 3. Assertion type: diagnostic. Clinical significance: supports diagnosis. Last evaluated: 2023-07-14. Review status: criteria provided, single submitter. Criteria: AMP/ASCO/CAP Guidelines, 2017. Collection method: clinical testing. Allele origin: somatic. Affected: yes. Not counted in ClinVar's aggregate classification.
Comment: Variant has Tier II (potential) clinical significance as a diagnostic inclusion criterion in medulloblastoma non-WNT/non-SHH group 3, based on the following evidence: 1) Diagnostic significance based on multiple small studies (Evidence Level C; PMIDs: 22820256, 22832583, 22722829, 28726821).

Literature cited by the submitters: PubMed 22820256 (cited by Institute for Genomic Medicine (IGM) Clinical Laboratory, Nationwide Children's Hospital); PubMed 22832583 (cited by Institute for Genomic Medicine (IGM) Clinical Laboratory, Nationwide Children's Hospital); PubMed 22722829 (cited by Institute for Genomic Medicine (IGM) Clinical Laboratory, Nationwide Children's Hospital); PubMed 28726821 (cited by Institute for Genomic Medicine (IGM) Clinical Laboratory, Nationwide Children's Hospital); PubMed 33741928 (cited by Institute for Genomic Medicine (IGM) Clinical Laboratory, Nationwide Children's Hospital).